The following is an entry in ClinVar:

ClinVar aggregate classification (germline): Uncertain significance (1 of 4 stars; one submission).

Conditions:
Inborn genetic diseases. Identifiers: MedGen C0950123, MeSH D030342.

gnomAD v4.1: 3 of 1,614,188 alleles (0.00019%); highest among the groups gnomAD compares: South Asian, 0.0033%; no homozygotes.

Submission:

Ambry Genetics
Classification: Uncertain significance for Inborn genetic diseases. Last evaluated: 2024-08-19. Review status: criteria provided, single submitter. Criteria: Ambry Variant Classification Scheme 2023. Collection method: clinical testing. Allele origin: germline.
Comment: The p.H2159Q variant (also known as c.6477T>A), located in coding exon 44 of the LRRK2 gene, results from a T to A substitution at nucleotide position 6477. The histidine at codon 2159 is replaced by glutamine, an amino acid with highly similar properties. This amino acid position is conserved. In addition, this alteration is predicted to be tolerated by in silico analysis. Based on the available evidence, the clinical significance of this variant remains unclear.

NM_198578.4(LRRK2):c.6477T>A (p.His2159Gln)

Gene: LRRK2 (leucine rich repeat kinase 2; plus strand). Cytogenetic location: 12q12.
Variant type: single nucleotide variant.
Coding change: c.6477T>A on transcript NM_198578.4 (MANE Select); coding-DNA position 6477, T replaced by A.
Protein change: p.His2159Gln; replaces histidine 2159 with glutamine.
Molecular consequence: missense variant.
Genome position (GRCh38, 1-based): chr12:40,351,634, T>A. VCF-style: chr12-40351634-T-A. GRCh37 (hg19) VCF-style: chr12-40745436-T-A.
Other names: short protein forms H2159Q.
Identifiers: ClinVar variation 3540535 (VCV003540535.1).